The following is an entry in ClinVar:

ClinVar aggregate classification (germline): Uncertain significance. Review status: criteria provided, multiple submitters, no conflicts (2 of 4 stars). 2 submissions from 2 submitters: Uncertain significance (2). Last evaluated 2024-06-17.

Allele frequency attached by ClinVar (database versions not stated): gnomAD exomes below 0.00001; TOPMed below 0.00001; gnomAD 0.00001.
gnomAD v4.1: 2 of 1,612,304 alleles (0.00012%); highest among the groups gnomAD compares: Non-Finnish European, 0.00017%; no homozygotes.

Submissions (2):

Labcorp Genetics (formerly Invitae), Labcorp
Classification: Uncertain significance. Last evaluated: 2024-06-17. Review status: criteria provided, single submitter. Criteria: Invitae Variant Classification Sherloc (09022015). Collection method: clinical testing. Allele origin: germline.
Comment: This sequence change replaces glutamine, which is neutral and polar, with arginine, which is basic and polar, at codon 219 of the OPA1 protein (p.Gln219Arg). This variant is not present in population databases (gnomAD no frequency). This variant has not been reported in the literature in individuals affected with OPA1-related conditions. ClinVar contains an entry for this variant (Variation ID: 1315766). Advanced modeling of protein sequence and biophysical properties (such as structural, functional, and spatial information, amino acid conservation, physicochemical variation, residue mobility, and thermodynamic stability) performed at Invitae indicates that this missense variant is not expected to disrupt OPA1 protein function with a negative predictive value of 80%. In summary, the available evidence is currently insufficient to determine the role of this variant in disease. Therefore, it has been classified as a Variant of Uncertain Significance.

GeneDx
Classification: Uncertain significance. Last evaluated: 2020-01-09. Review status: criteria provided, single submitter. Criteria: GeneDx Variant Classification Process June 2021. Collection method: clinical testing. Allele origin: germline. Affected: yes.
Comment: Not observed in large population cohorts (Lek et al., 2016); In silico analysis, which includes protein predictors and evolutionary conservation, supports a deleterious effect; Has not been previously published as pathogenic or benign to our knowledge

NM_130837.3(OPA1):c.821A>G (p.Gln274Arg)

Gene: OPA1 (OPA1 mitochondrial dynamin like GTPase; plus strand). Cytogenetic location: 3q29.
Variant type: single nucleotide variant.
Coding change: c.821A>G on transcript NM_130837.3 (MANE Select); coding-DNA position 821, A replaced by G.
Protein change: p.Gln274Arg; replaces glutamine 274 with arginine.
Molecular consequence: missense variant.
Genome position (GRCh38, 1-based): chr3:193,631,643, A>G. VCF-style: chr3-193631643-A-G. GRCh37 (hg19) VCF-style: chr3-193349432-A-G.
Other names: c.287A>G, p.Gln96Arg (NM_001354663.2); c.284A>G, p.Gln95Arg (NM_001354664.2); c.656A>G, p.Gln219Arg (NM_015560.3); c.548A>G, p.Gln183Arg (NM_130831.3); c.602A>G, p.Gln201Arg (NM_130832.3); c.659A>G, p.Gln220Arg (NM_130833.3); c.710A>G, p.Gln237Arg (NM_130834.3); c.713A>G, p.Gln238Arg (NM_130835.3); and 1 more; short protein forms Q183R, Q201R, Q219R, Q220R, Q237R, Q238R, Q256R, Q274R.
Identifiers: ClinVar variation 1315766 (VCV001315766.4), dbSNP rs1258694003, ClinGen allele CA355785912.